The following is an entry in ClinVar:

ClinVar aggregate classification (germline): Conflicting classifications of pathogenicity. Review status: criteria provided, conflicting classifications (1 of 4 stars). 3 submissions from 3 submitters: Uncertain significance (2); Likely benign (1). Last evaluated 2023-05-05.

Conditions:
Inborn genetic diseases. Identifiers: MedGen C0950123, MeSH D030342.

Allele frequency attached by ClinVar (database versions not stated): gnomAD exomes 0.00015; ExAC 0.00017; gnomAD 0.00017; 1000 Genomes Project 0.00020; TOPMed 0.00022; 1000 Genomes Project 30x 0.00031.

Submissions (3):

Blueprint Genetics
Classification: Uncertain significance. Last evaluated: 2023-05-05. Review status: criteria provided, single submitter. Criteria: ACMG Guidelines, 2015. Collection method: clinical testing. Allele origin: germline.

Labcorp Genetics (formerly Invitae), Labcorp
Classification: Uncertain significance. Last evaluated: 2022-08-05. Review status: criteria provided, single submitter. Criteria: Invitae Variant Classification Sherloc (09022015). Collection method: clinical testing. Allele origin: germline.
Comment: This sequence change replaces threonine, which is neutral and polar, with methionine, which is neutral and non-polar, at codon 251 of the MFSD2A protein (p.Thr251Met). This variant is present in population databases (rs199920612, gnomAD 0.2%). This variant has not been reported in the literature in individuals affected with MFSD2A-related conditions. Algorithms developed to predict the effect of missense changes on protein structure and function are either unavailable or do not agree on the potential impact of this missense change (SIFT: "Deleterious"; PolyPhen-2: "Benign"; Align-GVGD: "Class C0"). Algorithms developed to predict the effect of sequence changes on RNA splicing suggest that this variant may disrupt the consensus splice site. In summary, the available evidence is currently insufficient to determine the role of this variant in disease. Therefore, it has been classified as a Variant of Uncertain Significance.

Ambry Genetics
Classification: Likely benign for Inborn genetic diseases. Last evaluated: 2021-09-16. Review status: criteria provided, single submitter. Criteria: Ambry Variant Classification Scheme 2023. Collection method: clinical testing. Allele origin: germline.

NM_032793.5(MFSD2A):c.713C>T (p.Thr238Met)

Gene: MFSD2A (MFSD2 lysolipid transporter A, lysophospholipid; plus strand). Cytogenetic location: 1p34.2.
Variant type: single nucleotide variant.
Coding change: c.713C>T on transcript NM_032793.5 (MANE Select); coding-DNA position 713, C replaced by T.
Protein change: p.Thr238Met; replaces threonine 238 with methionine.
Molecular consequence: missense variant. On other transcripts: non-coding transcript variant (1).
Genome position (GRCh38, 1-based): chr1:39,966,013, C>T. VCF-style: chr1-39966013-C-T. GRCh37 (hg19) VCF-style: chr1-40431685-C-T.
Other names: c.752C>T, p.Thr251Met (NM_001136493.3); c.245C>T, p.Thr82Met (NM_001287808.2); c.602C>T, p.Thr201Met (NM_001287809.2); c.707C>T, p.Thr236Met (NM_001349821.2); c.713C>T, p.Thr238Met (NM_001349822.2); c.368C>T, p.Thr123Met (NM_001349823.2); c.752C>T (NM_001136493.1); short protein forms T238M, T123M, T201M, T82M, T236M, T251M.
Identifiers: ClinVar variation 2044767 (VCV002044767.3), dbSNP rs199920612, ClinGen allele CA788739.
Genomic context (GRCh38, chr1:39,966,013, plus strand): 5'-GCTCTACAGTAGCTTCACAAAGTGCCAACCATACACATGGCACCACCTCACACAGGGAAA[C>T]GGTGAGGCCCTGGGCAGGGCAGGGATTTGGGGAGATAAGGAACAGTGAGGTGGTTTGTAG-3'
Protein context (NP_116182.2, residues 228-248): HTHGTTSHRE[Thr238Met]QKAYLLAAGV